The following is an entry in ClinVar:

NM_030665.4(RAI1):c.2782C>T (p.Leu928=)

Gene: RAI1 (retinoic acid induced 1; plus strand). Cytogenetic location: 17p11.2.
Variant type: single nucleotide variant.
Coding change: c.2782C>T on transcript NM_030665.4 (MANE Select); coding-DNA position 2782, C replaced by T.
Protein change: p.Leu928=; no amino-acid change (leucine 928 retained).
Molecular consequence: synonymous variant.
Genome position (GRCh38, 1-based): chr17:17,795,730, C>T. VCF-style: chr17-17795730-C-T. GRCh37 (hg19) VCF-style: chr17-17699044-C-T.
Identifiers: ClinVar variation 4995469 (VCV004995469.1).

ClinVar aggregate classification (germline): Likely benign (1 of 4 stars; one submission).

Conditions:
RAI1-related disorder. Also called: RAI1-related condition.

Submission:

PreventionGenetics, part of Exact Sciences
Classification: Likely benign for RAI1-related condition. Last evaluated: 2026-06-20. Review status: criteria provided, single submitter. Criteria: ACMG Guidelines, 2015. Collection method: clinical testing. Allele origin: germline.
Comment: This variant is classified as likely benign based on ACMG/AMP sequence variant interpretation guidelines (Richards et al. 2015 PMID: 25741868, with internal and published modifications).